The following is an entry in ClinVar:

ClinVar aggregate classification (germline): Uncertain significance. Review status: criteria provided, multiple submitters, no conflicts (2 of 4 stars). 2 submissions from 2 submitters: Uncertain significance (2). Last evaluated 2020-02-13.

Conditions:
Hereditary cancer-predisposing syndrome. Also called: Tumor predisposition; Hereditary neoplastic syndrome; Neoplastic Syndromes, Hereditary; Hereditary Cancer Syndrome. Identifiers: Orphanet 140162, MedGen C0027672, MeSH D009386, MONDO:0015356.
Ataxia-telangiectasia-like disorder (ATLD). Identifiers: MedGen C1858391, MONDO:0011457.

Allele frequency attached by ClinVar (database versions not stated): TOPMed below 0.00001.

Submissions (2):

Ambry Genetics
Classification: Uncertain significance for Hereditary cancer-predisposing syndrome. Last evaluated: 2020-02-13. Review status: criteria provided, single submitter. Criteria: Ambry Variant Classification Scheme 2023. Collection method: clinical testing. Allele origin: germline.
Comment: The p.M200V variant (also known as c.598A>G), located in coding exon 6 of the MRE11A gene, results from an A to G substitution at nucleotide position 598. The methionine at codon 200 is replaced by valine, an amino acid with highly similar properties. This amino acid position is highly conserved in available vertebrate species. In addition, this alteration is predicted to be deleterious by in silico analysis. Since supporting evidence is limited at this time, the clinical significance of this alteration remains unclear.

Labcorp Genetics (formerly Invitae), Labcorp
Classification: Uncertain significance for Ataxia-telangiectasia-like disorder. Last evaluated: 2019-09-17. Review status: criteria provided, single submitter. Criteria: Invitae Variant Classification Sherloc (09022015). Collection method: clinical testing. Allele origin: germline.
Comment: In summary, the available evidence is currently insufficient to determine the role of this variant in disease. Therefore, it has been classified as a Variant of Uncertain Significance. Algorithms developed to predict the effect of missense changes on protein structure and function (SIFT, PolyPhen-2, Align-GVGD) all suggest that this variant is likely to be tolerated, but these predictions have not been confirmed by published functional studies and their clinical significance is uncertain. This variant has not been reported in the literature in individuals with MRE11-related conditions. This variant is not present in population databases (ExAC no frequency). This sequence change replaces methionine with valine at codon 200 of the MRE11 protein (p.Met200Val). The methionine residue is moderately conserved and there is a small physicochemical difference between methionine and valine.

NM_005591.4(MRE11):c.598A>G (p.Met200Val)

Gene: MRE11 (MRE11 double strand break repair nuclease; minus strand). Cytogenetic location: 11q21.
Variant type: single nucleotide variant.
Coding change: c.598A>G on transcript NM_005591.4 (MANE Select); coding-DNA position 598, A replaced by G.
Protein change: p.Met200Val; replaces methionine 200 with valine.
Molecular consequence: missense variant.
Genome position (GRCh38, 1-based): chr11:94,476,350, T>C on the plus strand (A>G on the coding strand, the complement: MRE11 is on the minus strand). VCF-style: chr11-94476350-T-C. GRCh37 (hg19) VCF-style: chr11-94209516-T-C.
Other names: c.598A>G, p.Met200Val (NM_001330347.2, NM_005590.4); short protein forms M200V.
Identifiers: ClinVar variation 957763 (VCV000957763.12), dbSNP rs1441332192, ClinGen allele CA382376850.